The following is an entry in ClinVar:

ClinVar aggregate classification (germline): Conflicting classifications of pathogenicity. Review status: criteria provided, conflicting classifications (1 of 4 stars). 2 submissions from 2 submitters: Likely pathogenic (1); Uncertain significance (1). Last evaluated 2026-09-01.

Conditions:
Hereditary cancer-predisposing syndrome. Also called: Hereditary neoplastic syndrome; Neoplastic Syndromes, Hereditary; Tumor predisposition; Hereditary Cancer Syndrome. Identifiers: Orphanet 140162, MedGen C0027672, MeSH D009386, MONDO:0015356.

gnomAD v4.1: 1 of 1,611,696 alleles (0.000062%); highest among the groups gnomAD compares: Middle Eastern, 0.017%; no homozygotes.

Submissions (2):

CeGaT Center for Human Genetics Tuebingen
Classification: Likely pathogenic. Last evaluated: 2026-09-01. Review status: criteria provided, single submitter. Criteria: CeGaT Center For Human Genetics Tuebingen Variant Classification Criteria Version 2. Collection method: clinical testing. Allele origin: germline. Affected: yes. Observed: 1 variant allele.
Comment: BARD1: PVS1:Strong, PM2

Molecular Diagnostics Laboratory, Catalan Institute of Oncology
Classification: Uncertain significance for Hereditary cancer-predisposing syndrome. Last evaluated: 2025-04-07. Review status: criteria provided, single submitter. Criteria: ACMG Guidelines, 2015. Collection method: clinical testing. Allele origin: germline.
Comment: PVS1_Strong, PM2_Supporting c.1315-1G>C, located in a canonic splicing site of the BARD1 gene, is predicted to alter splicing. The SpliceAI algorithm predicts that the variant disrupts the canonical acceptor site (SpliceAI-AcceptorLoss score: 0.94), probably causing the in-frame skipping of exon 5 (10% of the protein) (r.1315_1395del, p.Gly439_Leu465del), in which there is part of the BARD1 Ankyrin Repeat Domain, required for maintenance of chromosomal stability by BARD1 (PVS1_Strong).It is not present in the population database gnomAD v2.1.1, non-cancer dataset (PM2_supporting). To our knowledge, neither relevant clinical data nor functional studies have been reported for this variant. This variant has been reported in the ClinVar database (1x pathogenic) but not in the LOVD database. Based on currently available information, the variant c.1315-1G>C should be considered an uncertain significance variant.

NM_000465.4(BARD1):c.1315-1G>C

Gene: BARD1 (BRCA1 associated RING domain 1; minus strand). Cytogenetic location: 2q35.
Variant type: single nucleotide variant.
Coding change: c.1315-1G>C on transcript NM_000465.4 (MANE Select); the canonical splice acceptor site of the intron before coding-DNA position 1315, G replaced by C.
Molecular consequence: splice acceptor variant. On other transcripts: intron variant (3).
Genome position (GRCh38, 1-based): chr2:214,769,313, C>G on the plus strand (G>C on the coding strand, the complement: BARD1 is on the minus strand). VCF-style: chr2-214769313-C-G. GRCh37 (hg19) VCF-style: chr2-215634037-C-G.
Other names: c.159-16758G>C (NM_001282548.2); c.1258-1G>C (NM_001282543.2); c.216-16758G>C (NM_001282545.2); c.364+22984G>C (NM_001282549.2).
Identifiers: ClinVar variation 4082299 (VCV004082299.2).